The following is an entry in ClinVar:

NM_001375834.1(WIPF1):c.243C>T (p.Gly81=)

Genes: WIPF1 (WAS/WASL interacting protein family member 1; minus strand), WIPF1-AS1 (WIPF1 and CHRNA1 antisense RNA 1; plus strand). Cytogenetic location: 2q31.1.
Variant type: single nucleotide variant.
Coding change: c.243C>T on transcript NM_001375834.1 (MANE Select); coding-DNA position 243, C replaced by T.
Protein change: p.Gly81=; no amino-acid change (glycine 81 retained).
Molecular consequence: synonymous variant. On other transcripts: intron variant (1).
Genome position (GRCh38, 1-based): chr2:174,575,319, G>A on the plus strand (C>T on the coding strand, the complement: WIPF1 is on the minus strand). VCF-style: chr2-174575319-G-A. GRCh37 (hg19) VCF-style: chr2-175440047-G-A.
Other names: c.243C>T, p.Gly81= (NM_001077269.1, NM_001375832.1, NM_001375833.1 and 5 more transcripts); c.182-3074C>T (NM_001375839.1).
Identifiers: ClinVar variation 724834 (VCV000724834.14), dbSNP rs146533814, ClinGen allele CA1974190.

ClinVar aggregate classification (germline): Likely benign. Review status: criteria provided, multiple submitters, no conflicts (2 of 4 stars). 3 submissions from 3 submitters: Likely benign (2). 1 of the submissions does not count toward it. Last evaluated 2026-01-03.

Conditions:
WIPF1-related disorder. Also called: WIPF1-related condition.
Wiskott-Aldrich syndrome 2 (WAS2). Also called: WIPF1 DEFICIENCY. Identifiers: Orphanet 906, MedGen C3281001, MONDO:0013779, OMIM 614493.

Allele frequency attached by ClinVar (database versions not stated): ExAC 0.00012; gnomAD exomes 0.00015 and 0.00036; gnomAD 0.00020; TOPMed 0.00026; ESP Exome Variant Server 0.00031.
gnomAD v4.1: 544 of 1,613,232 alleles (0.034%); highest among the groups gnomAD compares: Non-Finnish European, 0.045%; no homozygotes.

Submissions (3):

Labcorp Genetics (formerly Invitae), Labcorp
Classification: Likely benign for Wiskott-Aldrich syndrome 2. Last evaluated: 2026-01-03. Review status: criteria provided, single submitter. Criteria: Invitae Variant Classification Sherloc (09022015). Collection method: clinical testing. Allele origin: germline.

Blueprint Genetics
Classification: Likely benign. Last evaluated: 2024-11-19. Review status: criteria provided, single submitter. Criteria: ACMG Guidelines, 2015. Collection method: clinical testing. Allele origin: germline.

PreventionGenetics, part of Exact Sciences
Classification: Likely benign for WIPF1-related condition. Last evaluated: 2019-06-04. Review status: no assertion criteria provided. Collection method: clinical testing. Allele origin: germline. Not counted in ClinVar's aggregate classification.
Comment: This variant is classified as likely benign based on ACMG/AMP sequence variant interpretation guidelines (Richards et al. 2015 PMID: 25741868, with internal and published modifications).